The following is an entry in ClinVar:

NM_001374736.1(DST):c.5271G>C (p.Lys1757Asn)

Gene: DST (dystonin; minus strand). Cytogenetic location: 6p12.1.
Variant type: single nucleotide variant.
Coding change: c.5271G>C on transcript NM_001374736.1 (MANE Select); coding-DNA position 5271, G replaced by C.
Protein change: p.Lys1757Asn; replaces lysine 1757 with asparagine.
Molecular consequence: missense variant.
Genome position (GRCh38, 1-based): chr6:56,610,439, C>G on the plus strand (G>C on the coding strand, the complement: DST is on the minus strand). VCF-style: chr6-56610439-C-G. GRCh37 (hg19) VCF-style: chr6-56475237-C-G.
Other names: c.5172G>C, p.Lys1724Asn (NM_001144769.5); c.4758G>C, p.Lys1586Asn (NM_001144770.2); c.5271G>C, p.Lys1757Asn (NM_001374722.1); c.4638G>C, p.Lys1546Asn (NM_001374729.1, NM_001374730.1, NM_183380.4); c.5298G>C, p.Lys1766Asn (NM_001374734.1); c.3660G>C, p.Lys1220Asn (NM_015548.5); short protein forms K1546N, K1586N, K1220N, K1724N, K1757N, K1766N.
Identifiers: ClinVar variation 966597 (VCV000966597.7), dbSNP rs1182335902, ClinGen allele CA364561075.

ClinVar aggregate classification (germline): Uncertain significance (1 of 4 stars; one submission).

Conditions:
Hereditary sensory and autonomic neuropathy type 6. Also called: Neuropathy, hereditary sensory and autonomic, type VI; HSAN VI. Identifiers: Orphanet 314381, MedGen C3539003, MONDO:0013839, OMIM 614653.
Epidermolysis bullosa simplex 3, localized or generalized intermediate, with BP230 deficiency (EBS3). Also called: Epidermolysis bullosa simplex, autosomal recessive 2; Epidermolysis bullosa simplex due to BP230 deficiency. Identifiers: Orphanet 412181, MedGen C3809470, MONDO:0014180, OMIM 615425.

gnomAD v4.1: 1 of 1,558,896 alleles (0.000064%); highest among the groups gnomAD compares: Non-Finnish European, 0.000087%; no homozygotes.

Submission:

Labcorp Genetics (formerly Invitae), Labcorp
Classification: Uncertain significance for Epidermolysis bullosa simplex 3, localized or generalized intermediate, with BP230 deficiency; Hereditary sensory and autonomic neuropathy type 6. Last evaluated: 2022-07-19. Review status: criteria provided, single submitter. Criteria: Invitae Variant Classification Sherloc (09022015). Collection method: clinical testing. Allele origin: germline.
Comment: The DST gene has multiple clinically relevant transcripts. This variant occurs in alternate transcript NM_015548.4, and corresponds to NM_015548.4:c.3660G>C in the primary transcript. This sequence change replaces lysine, which is basic and polar, with asparagine, which is neutral and polar, at codon 1220 of the DST protein (p.Lys1220Asn). This variant is not present in population databases (gnomAD no frequency). This variant has not been reported in the literature in individuals affected with DST-related conditions. Algorithms developed to predict the effect of missense changes on protein structure and function output the following: SIFT: "Not Available"; PolyPhen-2: "Not Available"; Align-GVGD: "Not Available". The asparagine amino acid residue is found in multiple mammalian species, which suggests that this missense change does not adversely affect protein function. In summary, the available evidence is currently insufficient to determine the role of this variant in disease. Therefore, it has been classified as a Variant of Uncertain Significance.